The following is an entry in ClinVar:

NM_007294.4(BRCA1):c.441+868C>T

Gene: BRCA1 (BRCA1 DNA repair associated; minus strand). Cytogenetic location: 17q21.31.
Variant type: single nucleotide variant.
Coding change: c.441+868C>T on transcript NM_007294.4 (MANE Select); 868 bases into the intron after coding-DNA position 441, C replaced by T.
Molecular consequence: intron variant.
Genome position (GRCh38, 1-based): chr17:43,103,254, G>A on the plus strand (C>T on the coding strand, the complement: BRCA1 is on the minus strand). VCF-style: chr17-43103254-G-A. GRCh37 (hg19) VCF-style: chr17-41255271-G-A.
Other names: IVS 7+868C>T; c.300+868C>T (NM_001408458.1, NM_001407931.1, NM_001407747.1 and 99 more transcripts); c.-218-8394C>T (NM_001407967.1, NM_001407966.1); c.60+868C>T (NM_001407959.1, NM_001407962.1, NM_001408512.1 and 4 more transcripts); c.231+868C>T (NM_001407885.1, NM_001407886.1, NM_001407898.1 and 58 more transcripts); c.441+868C>T (NM_001407686.1, NM_001408397.1, NM_001407632.1 and 164 more transcripts); c.309+868C>T (NM_001408451.1); c.363+868C>T (NM_001408475.1, NM_001407875.1, NM_001407659.1 and 21 more transcripts); and 1 more.
Identifiers: ClinVar variation 209485 (VCV000209485.2), dbSNP rs184910839, ClinGen allele CA276455.

ClinVar aggregate classification (germline): Benign (3 of 4 stars; one submission).

Conditions:
Breast-ovarian cancer, familial, susceptibility to, 1 (BROVCA1). Also called: BRCA1 Hereditary Breast and Ovarian Cancer; OVARIAN CANCER, SUSCEPTIBILITY TO. Identifiers: Orphanet 145, MedGen C2676676, MONDO:0011450, OMIM 604370. Disease mechanism: loss of function.

Submission:

Evidence-based Network for the Interpretation of Germline Mutant Alleles (ENIGMA)
Classification: Benign for Breast-ovarian cancer, familial 1. Last evaluated: 2015-01-12. Review status: reviewed by expert panel. Criteria: ENIGMA BRCA1/2 Classification Criteria (2015). Collection method: curation. Allele origin: germline.
Comment: Class 1 not pathogenic based on frequency >1% in an outbred sampleset. Frequency 0.01829 (African), derived from 1000 genomes (2012-04-30).